The following is an entry in ClinVar:

ClinVar aggregate classification (germline): Uncertain significance (1 of 4 stars; one submission).

Allele frequency attached by ClinVar (database versions not stated): gnomAD exomes below 0.00001; gnomAD 0.00001; TOPMed 0.00001; ExAC 0.00002; ESP Exome Variant Server 0.00008; 1000 Genomes Project 30x 0.00016.
gnomAD v4.1: 7 of 1,613,938 alleles (0.00043%); highest among the groups gnomAD compares: African/African-American, 0.0013%; no homozygotes.

Submission:

Labcorp Genetics (formerly Invitae), Labcorp
Classification: Uncertain significance. Last evaluated: 2023-08-02. Review status: criteria provided, single submitter. Criteria: Invitae Variant Classification Sherloc (09022015). Collection method: clinical testing. Allele origin: germline.
Comment: In summary, the available evidence is currently insufficient to determine the role of this variant in disease. Therefore, it has been classified as a Variant of Uncertain Significance. Advanced modeling of protein sequence and biophysical properties (such as structural, functional, and spatial information, amino acid conservation, physicochemical variation, residue mobility, and thermodynamic stability) performed at Invitae indicates that this missense variant is not expected to disrupt SGMS2 protein function. This variant has not been reported in the literature in individuals affected with SGMS2-related conditions. This variant is present in population databases (rs377607424, gnomAD 0.0009%). This sequence change replaces glycine, which is neutral and non-polar, with glutamic acid, which is acidic and polar, at codon 194 of the SGMS2 protein (p.Gly194Glu).

NM_001375905.1(SGMS2):c.581G>A (p.Gly194Glu)

Genes: CYP2U1-AS1 (CYP2U1 and SGMS2 antisense RNA 1; minus strand), SGMS2 (sphingomyelin synthase 2; plus strand). Cytogenetic location: 4q25.
Variant type: single nucleotide variant.
Coding change: c.581G>A on transcript NM_001375905.1 (MANE Select); coding-DNA position 581, G replaced by A.
Protein change: p.Gly194Glu; replaces glycine 194 with glutamic acid.
Molecular consequence: missense variant.
Genome position (GRCh38, 1-based): chr4:107,903,240, G>A. VCF-style: chr4-107903240-G-A. GRCh37 (hg19) VCF-style: chr4-108824396-G-A.
Other names: c.581G>A, p.Gly194Glu (NM_001136257.2, NM_001136258.2, NM_001375906.1 and 4 more transcripts); c.62G>A, p.Gly21Glu (NM_001375911.1); short protein forms G194E, G21E.
Identifiers: ClinVar variation 2873763 (VCV002873763.3), dbSNP rs377607424, ClinGen allele CA3036813.